The following is an entry in ClinVar:

ClinVar aggregate classification (germline): Pathogenic. Review status: criteria provided, multiple submitters, no conflicts (2 of 4 stars). 2 submissions from 2 submitters: Pathogenic (2). Last evaluated 2025-03-28.

Conditions:
Autosomal recessive nonsyndromic hearing loss 3. Also called: NEUROSENSORY NONSYNDROMIC RECESSIVE DEAFNESS 3. Identifiers: Orphanet 90636, MedGen C1838263, MONDO:0010860, OMIM 600316.

Submissions (2):

Women's Health and Genetics/Laboratory Corporation of America, LabCorp
Classification: Pathogenic for Autosomal recessive nonsyndromic hearing loss 3. Last evaluated: 2025-03-28. Review status: criteria provided, single submitter. Criteria: LabCorp Variant Classification Summary - May 2015. Collection method: clinical testing. Allele origin: germline.
Comment: Variant summary: MYO15A c.5997dupG (p.His2000AlafsX7) results in a premature termination codon, predicted to cause a truncation of the encoded protein or absence of the protein due to nonsense mediated decay, which are commonly known mechanisms for disease. The variant was absent in 221778 control chromosomes. To our knowledge, no occurrence of c.5997dupG in individuals affected with Autosomal Recessive Nonsyndromic Hearing Loss 3 and no experimental evidence demonstrating its impact on protein function have been reported. ClinVar contains an entry for this variant (Variation ID: 2018328). Based on the evidence outlined above, the variant was classified as pathogenic.

Labcorp Genetics (formerly Invitae), Labcorp
Classification: Pathogenic. Last evaluated: 2023-12-30. Review status: criteria provided, single submitter. Criteria: Invitae Variant Classification Sherloc (09022015). Collection method: clinical testing. Allele origin: germline.
Comment: This sequence change creates a premature translational stop signal (p.His2000Alafs*7) in the MYO15A gene. It is expected to result in an absent or disrupted protein product. Loss-of-function variants in MYO15A are known to be pathogenic (PMID: 17546645). This variant is not present in population databases (gnomAD no frequency). This variant has not been reported in the literature in individuals affected with MYO15A-related conditions. ClinVar contains an entry for this variant (Variation ID: 2018328). Algorithms developed to predict the effect of sequence changes on RNA splicing suggest that this variant may disrupt the consensus splice site. For these reasons, this variant has been classified as Pathogenic.

Literature cited by the submitters: PubMed 17546645 (cited by Labcorp Genetics (formerly Invitae), Labcorp).

NM_016239.4(MYO15A):c.5997dup (p.His2000fs)

Gene: MYO15A (myosin XVA; plus strand). Cytogenetic location: 17p11.2.
Variant type: Duplication.
Coding change: c.5997dup on transcript NM_016239.4 (MANE Select); coding-DNA position 5997, one base duplicated (G; older notation c.5997dupG).
Protein change: p.His2000fs; shifts the reading frame from histidine 2000.
Molecular consequence: frameshift variant.
Genome position (GRCh38, 1-based): chr17:18,143,747, G duplicated; the last of 4 consecutive G bases (chr17:18,143,744-18,143,747); duplicating any one gives the same sequence. VCF-style (leftmost placement, unchanged base first): chr17-18143743-T-TG. GRCh37 (hg19) VCF-style: chr17-18047057-T-TG.
Other names: c.5997dupG (NM_016239.4); short protein forms H2000fs.
Identifiers: ClinVar variation 2018328 (VCV002018328.5), dbSNP rs2545265594, ClinGen allele CA2580092652.